The following is an entry in ClinVar:

NC_000023.11:g.(?_32491267)_(32849830_?)del

Genes: MIR548F5 (microRNA 548f-5; minus strand), DMD (dystrophin; minus strand), MIR3915 (microRNA 3915; minus strand). Cytogenetic location: Xp21.1.
Variant type: Deletion.
Identifiers: ClinVar variation 659584 (VCV000659584.4).

ClinVar aggregate classification (germline): Pathogenic (1 of 4 stars; one submission).

Conditions:
Duchenne muscular dystrophy (DMD). Also called: MUSCULAR DYSTROPHY, PSEUDOHYPERTROPHIC PROGRESSIVE, DUCHENNE TYPE; Duchenne Muscular Dystrophy (DMD). Identifiers: Orphanet 98896, MedGen C0013264, MONDO:0010679, OMIM 310200.

Submission:

Labcorp Genetics (formerly Invitae), Labcorp
Classification: Pathogenic for Duchenne muscular dystrophy. Last evaluated: 2022-03-08. Review status: criteria provided, single submitter. Criteria: Invitae Variant Classification Sherloc (09022015). Collection method: clinical testing. Allele origin: germline.
Comment: This variant is a gross deletion of the genomic region encompassing exon(s) 3-20 of the DMD gene. This variant would be expected to be in-frame, preserving the integrity of the reading frame. For these reasons, this variant has been classified as Pathogenic. The region of the DMD gene that includes exon(s) 13 has been determined to be clinically significant (PMID: 15684864, 28116794, 28610567). Therefore, deletions that encompass that region are likely to be disease-causing. A similar copy number variant has been observed in individuals with DMD-related muscular dystrophy (PMID: 15723292, 25482253).

Literature cited by the submitters: PubMed 15684864; PubMed 28116794; PubMed 28610567; PubMed 15723292; PubMed 25482253.